The following is an entry in ClinVar:

NM_001368882.1(COL13A1):c.262A>G (p.Ile88Val)

Gene: COL13A1 (collagen type XIII alpha 1 chain; plus strand). Cytogenetic location: 10q22.1.
Variant type: single nucleotide variant.
Coding change: c.262A>G on transcript NM_001368882.1 (MANE Select); coding-DNA position 262, A replaced by G.
Protein change: p.Ile88Val; replaces isoleucine 88 with valine.
Molecular consequence: missense variant. On other transcripts: 5 prime UTR variant (1).
Genome position (GRCh38, 1-based): chr10:69,802,685, A>G. VCF-style: chr10-69802685-A-G. GRCh37 (hg19) VCF-style: chr10-71562441-A-G.
Other names: c.262A>G, p.Ile88Val (NM_001130103.2, NM_001320951.2, NM_001368883.1 and 11 more transcripts); c.-392A>G (NM_001368886.1); short protein forms I88V.
Identifiers: ClinVar variation 1372570 (VCV001372570.6), dbSNP rs2131986246, ClinGen allele CA376961877.

ClinVar aggregate classification (germline): Uncertain significance (1 of 4 stars; one submission).

Allele frequency attached by ClinVar (database versions not stated): gnomAD exomes below 0.00001.
gnomAD v4.1: 5 of 1,613,130 alleles (0.00031%); highest among the groups gnomAD compares: East Asian, 0.0089%; no homozygotes.

Submission:

Labcorp Genetics (formerly Invitae), Labcorp
Classification: Uncertain significance. Last evaluated: 2021-08-05. Review status: criteria provided, single submitter. Criteria: Invitae Variant Classification Sherloc (09022015). Collection method: clinical testing. Allele origin: germline.
Comment: In summary, the available evidence is currently insufficient to determine the role of this variant in disease. Therefore, it has been classified as a Variant of Uncertain Significance. Algorithms developed to predict the effect of missense changes on protein structure and function are either unavailable or do not agree on the potential impact of this missense change (SIFT: "Deleterious"; PolyPhen-2: "Possibly Damaging"; Align-GVGD: "Class C0"). This variant has not been reported in the literature in individuals affected with COL13A1-related conditions. This variant is not present in population databases (ExAC no frequency). This sequence change replaces isoleucine with valine at codon 88 of the COL13A1 protein (p.Ile88Val). The isoleucine residue is weakly conserved and there is a small physicochemical difference between isoleucine and valine.